The following is an entry in ClinVar:

NM_007194.4(CHEK2):c.542G>C (p.Arg181Pro)

Gene: CHEK2 (checkpoint kinase 2; minus strand). Cytogenetic location: 22q12.1.
Variant type: single nucleotide variant.
Coding change: c.542G>C on transcript NM_007194.4 (MANE Select); coding-DNA position 542, G replaced by C.
Protein change: p.Arg181Pro; replaces arginine 181 with proline.
Molecular consequence: missense variant. On other transcripts: 5 prime UTR variant (2), intron variant (1).
Genome position (GRCh38, 1-based): chr22:28,725,027, C>G on the plus strand (G>C on the coding strand, the complement: CHEK2 is on the minus strand). VCF-style: chr22-28725027-C-G. GRCh37 (hg19) VCF-style: chr22-29121015-C-G.
Other names: c.671G>C, p.Arg224Pro (NM_001005735.3, NM_001438294.1); c.-236G>C (NM_001257387.3); c.-122G>C (NM_001437942.1); c.635G>C, p.Arg212Pro (NM_001438293.1, NM_001438295.1); c.542G>C, p.Arg181Pro (NM_145862.3); c.445-104G>C (NM_001349956.3); short protein forms R181P, R224P, R212P.
Identifiers: ClinVar variation 3659755 (VCV003659755.2).

ClinVar aggregate classification (germline): Uncertain significance (1 of 4 stars; one submission).

Conditions:
Familial cancer of breast. Also called: Hereditary breast cancer; hereditary breast carcinoma; BREAST CANCER, FAMILIAL. Identifiers: Orphanet 227535, MedGen C0346153, MONDO:0016419, OMIM 114480. Disease mechanism: loss of function.

Submission:

Labcorp Genetics (formerly Invitae), Labcorp
Classification: Uncertain significance for Familial cancer of breast. Last evaluated: 2024-07-17. Review status: criteria provided, single submitter. Criteria: Invitae Variant Classification Sherloc (09022015). Collection method: clinical testing. Allele origin: germline.
Comment: This sequence change replaces arginine, which is basic and polar, with proline, which is neutral and non-polar, at codon 181 of the CHEK2 protein (p.Arg181Pro). This variant is not present in population databases (gnomAD no frequency). This variant has not been reported in the literature in individuals affected with CHEK2-related conditions. An algorithm developed to predict the effect of missense changes on protein structure and function (PolyPhen-2) suggests that this variant is likely to be disruptive. In summary, the available evidence is currently insufficient to determine the role of this variant in disease. Therefore, it has been classified as a Variant of Uncertain Significance.